The following is an entry in ClinVar:

ClinVar aggregate classification (germline): Benign. Review status: criteria provided, single submitter (1 of 4 stars). 2 submissions from 2 submitters: Benign (1). 1 of the submissions does not count toward it. Last evaluated 2026-01-24.

Conditions:
IFT88-related disorder. Also called: IFT88-related condition.

Allele frequency attached by ClinVar (database versions not stated): ExAC 0.00022; gnomAD 0.00045; TOPMed 0.00045; ESP Exome Variant Server 0.00047; 1000 Genomes Project 0.00140; 1000 Genomes Project 30x 0.00141.
gnomAD v4.1: 134 of 1,477,308 alleles (0.0091%); highest among the groups gnomAD compares: African/African-American, 0.16%; 1 homozygote.

Submissions (2):

Labcorp Genetics (formerly Invitae), Labcorp
Classification: Benign. Last evaluated: 2026-01-24. Review status: criteria provided, single submitter. Criteria: Invitae Variant Classification Sherloc (09022015). Collection method: clinical testing. Allele origin: germline.

PreventionGenetics, part of Exact Sciences
Classification: Likely benign for IFT88-related condition. Last evaluated: 2019-03-20. Review status: no assertion criteria provided. Collection method: clinical testing. Allele origin: germline. Not counted in ClinVar's aggregate classification.
Comment: This variant is classified as likely benign based on ACMG/AMP sequence variant interpretation guidelines (Richards et al. 2015 PMID: 25741868, with internal and published modifications).

NM_006531.5(IFT88):c.2064C>T (p.Val688=)

Gene: IFT88 (intraflagellar transport 88; plus strand). Cytogenetic location: 13q12.11.
Variant type: single nucleotide variant.
Coding change: c.2064C>T on transcript NM_006531.5 (MANE Select); coding-DNA position 2064, C replaced by T.
Protein change: p.Val688=; no amino-acid change (valine 688 retained).
Molecular consequence: synonymous variant. On other transcripts: non-coding transcript variant (5).
Genome position (GRCh38, 1-based): chr13:20,656,426, C>T. VCF-style: chr13-20656426-C-T. GRCh37 (hg19) VCF-style: chr13-21230565-C-T.
Other names: c.2091C>T (NM_175605.4); c.2007C>T, p.Val669= (NM_001318491.2, NM_001353575.2); c.2091C>T, p.Val697= (NM_001318493.2, NM_001353565.2, NM_001353566.2 and 2 more transcripts); c.2064C>T, p.Val688= (NM_001353568.2, NM_001353572.2); c.1989C>T, p.Val663= (NM_001353569.2, NM_001353570.2, NM_001353576.2 and 1 more transcripts); c.1962C>T, p.Val654= (NM_001353571.2, NM_001353578.2); c.1920C>T, p.Val640= (NM_001353573.2); c.1905C>T, p.Val635= (NM_001353574.2); and 1 more.
Identifiers: ClinVar variation 2048498 (VCV002048498.6), dbSNP rs147013462, ClinGen allele CA6905635.